The following is an entry in ClinVar:

ClinVar aggregate classification (germline): Likely benign (1 of 4 stars; one submission).

Conditions:
Familial cancer of breast. Also called: BREAST CANCER, FAMILIAL; Hereditary breast cancer; hereditary breast carcinoma. Identifiers: Orphanet 227535, MedGen C0346153, MONDO:0016419, OMIM 114480. Disease mechanism: loss of function.

Submission:

Myriad Genetics, Inc.
Classification: Likely benign for Familial cancer of breast. Last evaluated: 2024-04-18. Review status: criteria provided, single submitter. Criteria: Myriad Autosomal Dominant, Autosomal Recessive and X-Linked Classification Criteria (2023). Collection method: clinical testing. Allele origin: unknown.
Comment: This variant is considered likely benign. This variant is intronic and is not expected to impact mRNA splicing.

NM_000051.4(ATM):c.332-20A>C

Gene: ATM (ATM serine/threonine kinase; plus strand). Cytogenetic location: 11q22.3.
Variant type: single nucleotide variant.
Coding change: c.332-20A>C on transcript NM_000051.4 (MANE Select); 20 bases into the intron before coding-DNA position 332, A replaced by C.
Molecular consequence: intron variant.
Genome position (GRCh38, 1-based): chr11:108,235,650, A>C. VCF-style: chr11-108235650-A-C. GRCh37 (hg19) VCF-style: chr11-108106377-A-C.
Other names: c.332-20A>C (NM_001351834.2).
Identifiers: ClinVar variation 3254250 (VCV003254250.1), dbSNP rs1555058985.